The following is an entry in ClinVar:

ClinVar aggregate classification (germline): Likely benign. Review status: criteria provided, multiple submitters, no conflicts (2 of 4 stars). 2 submissions from 2 submitters: Likely benign (2). Last evaluated 2022-09-24.

Conditions:
Christianson syndrome (MRXSCH). Also called: SLC9A6-Related Syndromic Mental Retardation; X-linked mental retardation, syndromic, Christianson type; INTELLECTUAL DEVELOPMENTAL DISORDER, X-LINKED, SYNDROMIC, CHRISTIANSON TYPE. Identifiers: Orphanet 85278, MedGen C2678194, MONDO:0010278, OMIM 300243.

Allele frequency attached by ClinVar (database versions not stated): gnomAD exomes 0.00001; TOPMed 0.00001; gnomAD 0.00004.
gnomAD v4.1: 7 of 1,208,523 alleles (0.00058%); highest among the groups gnomAD compares: African/African-American, 0.01%; no homozygotes.

Submissions (2):

Labcorp Genetics (formerly Invitae), Labcorp
Classification: Likely benign for Christianson syndrome. Last evaluated: 2022-09-24. Review status: criteria provided, single submitter. Criteria: Invitae Variant Classification Sherloc (09022015). Collection method: clinical testing. Allele origin: germline.

GeneDx
Classification: Likely benign. Last evaluated: 2017-03-15. Review status: criteria provided, single submitter. Criteria: GeneDx Variant Classification (06012015). Collection method: clinical testing. Allele origin: germline. Affected: yes.
Comment: This variant is considered likely benign or benign based on one or more of the following criteria: it is a conservative change, it occurs at a poorly conserved position in the protein, it is predicted to be benign by multiple in silico algorithms, and/or has population frequency not consistent with disease.

NM_001379110.1(SLC9A6):c.1434T>C (p.Thr478=)

Gene: SLC9A6 (solute carrier family 9 member A6; plus strand). Cytogenetic location: Xq26.3.
Variant type: single nucleotide variant.
Coding change: c.1434T>C on transcript NM_001379110.1 (MANE Select); coding-DNA position 1434, T replaced by C.
Protein change: p.Thr478=; no amino-acid change (threonine 478 retained).
Molecular consequence: synonymous variant.
Genome position (GRCh38, 1-based): chrX:136,024,457, T>C. VCF-style: chrX-136024457-T-C. GRCh37 (hg19) VCF-style: chrX-135106616-T-C.
Other names: c.1590T>C, p.Thr530= (NM_001042537.2); c.1434T>C, p.Thr478= (NM_001177651.2); c.1338T>C, p.Thr446= (NM_001330652.2); c.1494T>C, p.Thr498= (NM_006359.3).
Identifiers: ClinVar variation 378619 (VCV000378619.10), dbSNP rs1057520374, ClinGen allele CA16608284.